The following is an entry in ClinVar:

NM_000334.4(SCN4A):c.2137A>G (p.Ile713Val)

Genes: SCN4A (sodium voltage-gated channel alpha subunit 4; minus strand), GH-LCR (growth hormone locus control region; plus strand). Cytogenetic location: 17q23.3.
Variant type: single nucleotide variant.
Coding change: c.2137A>G on transcript NM_000334.4 (MANE Select); coding-DNA position 2137, A replaced by G.
Protein change: p.Ile713Val; replaces isoleucine 713 with valine.
Molecular consequence: missense variant.
Genome position (GRCh38, 1-based): chr17:63,957,401, T>C on the plus strand (A>G on the coding strand, the complement: SCN4A is on the minus strand). VCF-style: chr17-63957401-T-C. GRCh37 (hg19) VCF-style: chr17-62034761-T-C.
Other names: short protein forms I713V.
Identifiers: ClinVar variation 2737927 (VCV002737927.4), dbSNP rs759800733, ClinGen allele CA8709654.

ClinVar aggregate classification (germline): Uncertain significance. Review status: criteria provided, multiple submitters, no conflicts (2 of 4 stars). 2 submissions from 2 submitters: Uncertain significance (2). Last evaluated 2025-12-14.

Conditions:
Inborn genetic diseases. Identifiers: MedGen C0950123, MeSH D030342.
Hyperkalemic periodic paralysis. Also called: Familial hyperkalemic periodic paralysis; Gamstorp disease. Identifiers: Orphanet 682, MedGen C0238357, MONDO:0008224, OMIM 170500, HP:0007215.

Allele frequency attached by ClinVar (database versions not stated): ExAC 0.00001; gnomAD 0.00001; TOPMed 0.00001.
gnomAD v4.1: 15 of 1,613,966 alleles (0.00093%); highest among the groups gnomAD compares: Non-Finnish European, 0.0013%; no homozygotes.

Submissions (2):

Labcorp Genetics (formerly Invitae), Labcorp
Classification: Uncertain significance for Hyperkalemic periodic paralysis. Last evaluated: 2025-12-14. Review status: criteria provided, single submitter. Criteria: Invitae Variant Classification Sherloc (09022015). Collection method: clinical testing. Allele origin: germline.
Comment: This sequence change replaces isoleucine, which is neutral and non-polar, with valine, which is neutral and non-polar, at codon 713 of the SCN4A protein (p.Ile713Val). This variant is present in population databases (rs759800733, gnomAD 0.0009%). This variant has not been reported in the literature in individuals affected with SCN4A-related conditions. ClinVar contains an entry for this variant (Variation ID: 2737927). Invitae Evidence Modeling of protein sequence and biophysical properties (such as structural, functional, and spatial information, amino acid conservation, physicochemical variation, residue mobility, and thermodynamic stability) has been performed for this missense variant. However, the output from this modeling did not meet the statistical confidence thresholds required to predict the impact of this variant on SCN4A protein function. In summary, the available evidence is currently insufficient to determine the role of this variant in disease. Therefore, it has been classified as a Variant of Uncertain Significance.

Ambry Genetics
Classification: Uncertain significance for Inborn genetic diseases. Last evaluated: 2023-10-30. Review status: criteria provided, single submitter. Criteria: Ambry Variant Classification Scheme 2023. Collection method: clinical testing. Allele origin: germline.